The following is an entry in ClinVar:

ClinVar aggregate classification (germline): Likely benign. Review status: criteria provided, multiple submitters, no conflicts (2 of 4 stars). 2 submissions from 2 submitters: Likely benign (2). Last evaluated 2024-11-01.

Conditions:
KMT2D-related disorder. Also called: KMT2D-Related Disorders.
Kabuki syndrome. Also called: NIIKAWA-KUROKI SYNDROME; Kabuki make-up syndrome. Identifiers: Orphanet 2322, MedGen C0796004, MONDO:0016512.

Submissions (2):

PreventionGenetics, part of Exact Sciences
Classification: Likely benign for KMT2D-related condition. Last evaluated: 2024-11-01. Review status: criteria provided, single submitter. Criteria: ACMG Guidelines, 2015. Collection method: clinical testing. Allele origin: germline.
Comment: This variant is classified as likely benign based on ACMG/AMP sequence variant interpretation guidelines (Richards et al. 2015 PMID: 25741868, with internal and published modifications).

Labcorp Genetics (formerly Invitae), Labcorp
Classification: Likely benign for Kabuki syndrome. Last evaluated: 2022-11-23. Review status: criteria provided, single submitter. Criteria: Invitae Variant Classification Sherloc (09022015). Collection method: clinical testing. Allele origin: germline.

NM_003482.4(KMT2D):c.9522T>C (p.Ser3174=)

Gene: KMT2D (lysine methyltransferase 2D; minus strand). Cytogenetic location: 12q13.12.
Variant type: single nucleotide variant.
Coding change: c.9522T>C on transcript NM_003482.4 (MANE Select); coding-DNA position 9522, T replaced by C.
Protein change: p.Ser3174=; no amino-acid change (serine 3174 retained).
Molecular consequence: synonymous variant.
Genome position (GRCh38, 1-based): chr12:49,037,834, A>G on the plus strand (T>C on the coding strand, the complement: KMT2D is on the minus strand). VCF-style: chr12-49037834-A-G. GRCh37 (hg19) VCF-style: chr12-49431617-A-G.
Identifiers: ClinVar variation 2815621 (VCV002815621.4), dbSNP rs2120486321, ClinGen allele CA479709871.